The following is an entry in ClinVar:

NM_006393.3(NEBL):c.480+3A>G

Gene: NEBL (nebulette; minus strand). Cytogenetic location: 10p12.31.
Variant type: single nucleotide variant.
Coding change: c.480+3A>G on transcript NM_006393.3 (MANE Select); 3 bases into the intron after coding-DNA position 480, A replaced by G.
Molecular consequence: intron variant.
Genome position (GRCh38, 1-based): chr10:20,880,791, T>C on the plus strand (A>G on the coding strand, the complement: NEBL is on the minus strand). VCF-style: chr10-20880791-T-C. GRCh37 (hg19) VCF-style: chr10-21169720-T-C.
Other names: c.250-67851A>G (NM_001377326.1, NM_001377327.1, NM_001377328.1); c.358-67851A>G (NM_213569.2, NM_001173484.2, NM_001377322.1); c.301-67851A>G (NM_001377324.1); c.292-67851A>G (NM_001377325.1); c.310-67851A>G (NM_001377323.1).
Identifiers: ClinVar variation 45498 (VCV000045498.36), dbSNP rs71578983, ClinGen allele CA136449.
Genomic context (GRCh38, chr10:20,880,791, plus strand): 5'-CATAAGCCCTAATATGACTTAACTACAGTTCGCTAGAAAATCATGAGAAATGCGCTTCCT[T>C]ACATTACTCTGGTGTTTATTGACCTCCATGGCATGTTTAACCTCAGGGGGCTCCTTCATG-3'

ClinVar aggregate classification (germline): Conflicting classifications of pathogenicity. Review status: criteria provided, conflicting classifications (1 of 4 stars). 8 submissions from 8 submitters: Uncertain significance (1); Benign (3); Likely benign (1). 3 of the submissions do not count toward it. Last evaluated 2026-01-28.

Conditions:
NEBL-related disorder. Also called: NEBL-related condition.
Cardiovascular phenotype. Identifiers: MedGen CN230736.
Primary dilated cardiomyopathy (DCM). Also called: Dilated Cardiomyopathy. Identifiers: Orphanet 217604, MedGen C0007193, MeSH D002311, MONDO:0005021, HP:0001644. Inheritance: Various modes of inheritance.

Allele frequency attached by ClinVar (database versions not stated): 1000 Genomes Project 30x 0.00156; 1000 Genomes Project 0.00180; ESP Exome Variant Server 0.00277; TOPMed 0.00280; gnomAD 0.00322 and 0.00336; gnomAD exomes 0.00323 and 0.00436; ExAC 0.00325.
gnomAD v4.1: 6,736 of 1,598,562 alleles (0.42%); highest among the groups gnomAD compares: Non-Finnish European, 0.49%; 21 homozygotes.

Submissions (8):

Labcorp Genetics (formerly Invitae), Labcorp
Classification: Benign for Primary dilated cardiomyopathy. Last evaluated: 2026-01-28. Review status: criteria provided, single submitter. Criteria: Invitae Variant Classification Sherloc (09022015). Collection method: clinical testing. Allele origin: germline.

Women's Health and Genetics/Laboratory Corporation of America, LabCorp
Classification: Benign. Last evaluated: 2024-01-22. Review status: criteria provided, single submitter. Criteria: LabCorp Variant Classification Summary - May 2015. Collection method: clinical testing. Allele origin: germline.

GeneDx
Classification: Benign. Last evaluated: 2020-05-18. Review status: criteria provided, single submitter. Criteria: GeneDx Variant Classification Process June 2021. Collection method: clinical testing. Allele origin: germline. Affected: yes.

Laboratory for Molecular Medicine, Mass General Brigham Personalized Medicine
Classification: Likely benign. Last evaluated: 2014-12-30. Review status: criteria provided, single submitter. Criteria: LMM Criteria. Collection method: clinical testing. Allele origin: germline. Observed: 12 variant alleles.
Comment: c.480+3A>G in intron 5 of NEBL: This variant is not expected to have clinical si gnificance because it has been identified in 0.4% (303/67668) of European chromo somes by the Exome Aggregation Consortium (ExAC; dbSNP rs71578983).

Ambry Genetics
Classification: Uncertain significance for Cardiovascular phenotype. Last evaluated: 2013-05-27. Review status: criteria provided, single submitter. Criteria: Ambry Autosomal Dominant and X-Linked criteria (10/2015). Collection method: clinical testing. Allele origin: germline. Observed: 1 variant allele.
Comment: There is insufficient or conflicting evidence for classification of this alteration.

PreventionGenetics, part of Exact Sciences
Classification: Likely benign for NEBL-related condition. Last evaluated: 2019-07-13. Review status: no assertion criteria provided. Collection method: clinical testing. Allele origin: germline. Not counted in ClinVar's aggregate classification.
Comment: This variant is classified as likely benign based on ACMG/AMP sequence variant interpretation guidelines (Richards et al. 2015 PMID: 25741868, with internal and published modifications).

Clinical Genetics DNA and cytogenetics Diagnostics Lab, Erasmus MC, Erasmus Medical Center
Classification: Likely benign. Review status: no assertion criteria provided. Collection method: clinical testing. Allele origin: germline. Affected: yes. Study: VKGL Data-share Consensus. Not counted in ClinVar's aggregate classification.

Genome Diagnostics Laboratory, University Medical Center Utrecht
Classification: Likely benign. Review status: no assertion criteria provided. Collection method: clinical testing. Allele origin: germline. Affected: yes. Study: VKGL Data-share Consensus. Not counted in ClinVar's aggregate classification.